The following is an entry in ClinVar:

NM_032737.4(LMNB2):c.739A>C (p.Ser247Arg)

Gene: LMNB2 (lamin B2; minus strand). Cytogenetic location: 19p13.3.
Variant type: single nucleotide variant.
Coding change: c.739A>C on transcript NM_032737.4 (MANE Select); coding-DNA position 739, A replaced by C.
Protein change: p.Ser247Arg; replaces serine 247 with arginine.
Molecular consequence: missense variant.
Genome position (GRCh38, 1-based): chr19:2,435,117, T>G on the plus strand (A>C on the coding strand, the complement: LMNB2 is on the minus strand). VCF-style: chr19-2435117-T-G. GRCh37 (hg19) VCF-style: chr19-2435115-T-G.
Other names: c.739A>C (NM_032737.3); short protein forms S247R.
Identifiers: ClinVar variation 2142440 (VCV002142440.5), dbSNP rs149762712, ClinGen allele CA9067772.

ClinVar aggregate classification (germline): Uncertain significance. Review status: criteria provided, multiple submitters, no conflicts (2 of 4 stars). 2 submissions from 2 submitters: Uncertain significance (2). Last evaluated 2025-04-11.

Conditions:
LMNB2-related disorder. Also called: LMNB2-related condition.
Progressive myoclonic epilepsy type 9. Identifiers: Orphanet 457265, MedGen C4225289, MONDO:0014685, OMIM 616540.
Lipodystrophy, partial, acquired, susceptibility to (APLD). Also called: APLD, SUSCEPTIBILITY TO. Identifiers: MedGen C3887501, MONDO:0100476, OMIM 608709.

Allele frequency attached by ClinVar (database versions not stated): ExAC 0.00005; TOPMed 0.00006; gnomAD 0.00005; gnomAD exomes 0.00009; ESP Exome Variant Server 0.00015.
gnomAD v4.1: 133 of 1,608,348 alleles (0.0083%); highest among the groups gnomAD compares: Non-Finnish European, 0.011%; no homozygotes.

Submissions (2):

Labcorp Genetics (formerly Invitae), Labcorp
Classification: Uncertain significance for Progressive myoclonic epilepsy type 9; Lipodystrophy, partial, acquired, susceptibility to. Last evaluated: 2025-04-11. Review status: criteria provided, single submitter. Criteria: Invitae Variant Classification Sherloc (09022015). Collection method: clinical testing. Allele origin: germline.
Comment: This sequence change replaces serine, which is neutral and polar, with arginine, which is basic and polar, at codon 247 of the LMNB2 protein (p.Ser247Arg). This variant is present in population databases (rs149762712, gnomAD 0.01%). This variant has not been reported in the literature in individuals affected with LMNB2-related conditions. ClinVar contains an entry for this variant (Variation ID: 2142440). Invitae Evidence Modeling of protein sequence and biophysical properties (such as structural, functional, and spatial information, amino acid conservation, physicochemical variation, residue mobility, and thermodynamic stability) has been performed for this missense variant. However, the output from this modeling did not meet the statistical confidence thresholds required to predict the impact of this variant on LMNB2 protein function. In summary, the available evidence is currently insufficient to determine the role of this variant in disease. Therefore, it has been classified as a Variant of Uncertain Significance.

PreventionGenetics, part of Exact Sciences
Classification: Uncertain significance for LMNB2-related condition. Last evaluated: 2022-09-15. Review status: criteria provided, single submitter. Criteria: ACMG Guidelines, 2015. Collection method: clinical testing. Allele origin: germline.
Comment: The LMNB2 c.739A>C variant is predicted to result in the amino acid substitution p.Ser247Arg. This variant was reported in an individual with acquired partial lipodystrophy, although pathogenicity was not established (Table S4, Dron et al. 2020. PubMed ID: 32041611). This variant is reported in 0.016% of alleles in individuals of European (Non-Finnish) descent in gnomAD. At this time, the clinical significance of this variant is uncertain due to the absence of conclusive functional and genetic evidence.